The following is an entry in ClinVar:

NM_001378964.1(CDON):c.*3628C>G

Gene: CDON (cell adhesion associated, oncogene regulated; minus strand). Cytogenetic location: 11q24.2.
Variant type: single nucleotide variant.
Coding change: c.*3628C>G on transcript NM_001378964.1 (MANE Select); 3628 bases downstream of the stop codon, C replaced by G.
Molecular consequence: 3 prime UTR variant.
Genome position (GRCh38, 1-based): chr11:125,957,314, G>C on the plus strand (C>G on the coding strand, the complement: CDON is on the minus strand). VCF-style: chr11-125957314-G-C. GRCh37 (hg19) VCF-style: chr11-125827209-G-C.
Other names: c.*3628C>G (NM_001243597.3, NM_016952.6).
Identifiers: ClinVar variation 303382 (VCV000303382.5), dbSNP rs140783947, ClinGen allele CA10633998.

ClinVar aggregate classification (germline): Benign (1 of 4 stars; one submission).

Conditions:
Holoprosencephaly 11 (HPE11). Identifiers: Orphanet 2162, MedGen C3280215, MONDO:0013642, OMIM 614226.

Allele frequency attached by ClinVar (database versions not stated): 1000 Genomes Project 30x 0.00375; 1000 Genomes Project 0.00359; gnomAD 0.00888 and 0.00931; TOPMed 0.00861.

Submission:

Illumina Laboratory Services, Illumina
Classification: Benign for Holoprosencephaly 11. Last evaluated: 2018-01-13. Review status: criteria provided, single submitter. Criteria: ICSL Variant Classification Criteria 13 December 2019. Collection method: clinical testing. Allele origin: germline.
Comment: This variant was observed in the ICSL laboratory as part of a predisposition screen in an ostensibly healthy population. It had not been previously curated by ICSL or reported in the Human Gene Mutation Database (HGMD: prior to June 1st, 2018), and was therefore a candidate for classification through an automated scoring system. Utilizing variant allele frequency, disease prevalence and penetrance estimates, and inheritance mode, an automated score was calculated to assess if this variant is too frequent to cause the disease. Based on the score and internal cut-off values, a variant classified as benign is not then subjected to further curation. The score for this variant resulted in a classification of benign for this disease.